The following is an entry in ClinVar:

ClinVar aggregate classification (germline): Conflicting classifications of pathogenicity. Review status: criteria provided, conflicting classifications (1 of 4 stars). 17 submissions from 13 submitters: Uncertain significance (4); Benign (3); Likely benign (10). Last evaluated 2026-04-01.

Conditions:
Cardiovascular phenotype. Identifiers: MedGen CN230736.
TTN-related disorder. Also called: TTN-related disorders; TTN-related condition; TTN-related disease.
Dilated cardiomyopathy 1G (CMD1G). Identifiers: Orphanet 154, MedGen C1858763, MONDO:0011400, OMIM 604145.
Autosomal recessive limb-girdle muscular dystrophy type 2J (LGMDR10). Also called: Limb-girdle muscular dystrophy, type 2J; MUSCULAR DYSTROPHY, LIMB-GIRDLE, AUTOSOMAL RECESSIVE 10. Identifiers: Orphanet 140922, MedGen C1837342, MONDO:0012127, OMIM 608807.
Cardiomyopathy (CMYO). Also called: Cardiomyopathies. Identifiers: Orphanet 167848, MedGen C0878544, MONDO:0004994, HP:0001638. Inheritance: Various modes of inheritance.
Early-onset myopathy with fatal cardiomyopathy (CMYO5). Also called: CONGENITAL MYOPATHY 5 WITH CARDIOMYOPATHY; Salih Myopathy. Identifiers: Orphanet 289377, MedGen C2673677, MONDO:0012714, OMIM 611705. Disease mechanism: loss of function.
Myopathy, myofibrillar, 9, with early respiratory failure (MFM9). Also called: Hereditary myopathy with early respiratory failure; MYOPATHY, PROXIMAL, WITH EARLY RESPIRATORY MUSCLE INVOLVEMENT; EDSTROM MYOPATHY; Myopathy, distal, with early respiratory failure, autosomal dominant. Identifiers: Orphanet 178464, Orphanet 34521, MedGen C1863599, MONDO:0011362, OMIM 603689.
Tibial muscular dystrophy (TMD). Also called: UDD MYOPATHY; Tibial muscular dystrophy, tardive; Udd Distal Myopathy – Tibial Muscular Dystrophy. Identifiers: Orphanet 609, MedGen C1838244, MONDO:0010870, OMIM 600334.

Allele frequency attached by ClinVar (database versions not stated): gnomAD 0.00011; TOPMed 0.00011; gnomAD exomes 0.00013 and 0.00018; ExAC 0.00022; ESP Exome Variant Server 0.00025.
gnomAD v4.1: 289 of 1,613,578 alleles (0.018%); highest among the groups gnomAD compares: Non-Finnish European, 0.023%; no homozygotes.

Submissions (17):

CeGaT Center for Human Genetics Tuebingen
Classification: Likely benign. Last evaluated: 2026-04-01. Review status: criteria provided, single submitter. Criteria: CeGaT Center For Human Genetics Tuebingen Variant Classification Criteria Version 2. Collection method: clinical testing. Allele origin: germline. Affected: yes. Observed: 3 variant alleles.
Comment: TTN: BP4, BP7

Labcorp Genetics (formerly Invitae), Labcorp
Classification: Likely benign for Dilated cardiomyopathy 1G; Autosomal recessive limb-girdle muscular dystrophy type 2J. Last evaluated: 2026-02-02. Review status: criteria provided, single submitter. Criteria: Invitae Variant Classification Sherloc (09022015). Collection method: clinical testing. Allele origin: germline.

PreventionGenetics, part of Exact Sciences
Classification: Likely benign for TTN-related condition. Last evaluated: 2025-10-21. Review status: criteria provided, single submitter. Criteria: ACMG Guidelines, 2015. Collection method: clinical testing. Allele origin: germline.
Comment: This variant is classified as likely benign based on ACMG/AMP sequence variant interpretation guidelines (Richards et al. 2015 PMID: 25741868, with internal and published modifications).

Molecular Diagnostic Laboratory for Inherited Cardiovascular Disease, Montreal Heart Institute
Classification: Likely benign. Last evaluated: 2025-04-09. Review status: criteria provided, single submitter. Criteria: ACMG Guidelines, 2015. Collection method: clinical testing. Allele origin: germline. Affected: no.
Comment: BP6;BP7

Mayo Clinic Laboratories, Mayo Clinic
Classification: Likely benign. Last evaluated: 2025-02-05. Review status: criteria provided, single submitter. Criteria: ACMG Guidelines, 2015. Collection method: clinical testing. Allele origin: germline. Observed: 1 variant allele.
Comment: BP4, BP7

Blueprint Genetics
Classification: Likely benign. Last evaluated: 2024-11-06. Review status: criteria provided, single submitter. Criteria: ACMG Guidelines, 2015. Collection method: clinical testing. Allele origin: germline.

Revvity Omics, Revvity
Classification: Likely benign. Last evaluated: 2024-07-09. Review status: criteria provided, single submitter. Criteria: ACMG Guidelines, 2015. Collection method: clinical testing. Allele origin: germline.

CHEO Genetics Diagnostic Laboratory, Children's Hospital of Eastern Ontario
Classification: Likely benign for Cardiomyopathy. Last evaluated: 2021-08-17. Review status: criteria provided, single submitter. Criteria: ACMG Guidelines, 2015. Collection method: clinical testing. Allele origin: germline.

Women's Health and Genetics/Laboratory Corporation of America, LabCorp
Classification: Likely benign. Last evaluated: 2021-04-19. Review status: criteria provided, single submitter. Criteria: LabCorp Variant Classification Summary - May 2015. Collection method: clinical testing. Allele origin: germline.

Ambry Genetics
Classification: Benign for Cardiovascular phenotype. Last evaluated: 2020-05-12. Review status: criteria provided, single submitter. Criteria: Ambry Variant Classification Scheme 2023. Collection method: clinical testing. Allele origin: germline.

Eurofins Ntd Llc (ga)
Classification: Uncertain significance. Last evaluated: 2018-08-23. Review status: criteria provided, single submitter. Criteria: EGL ClinVar v180209 classification definitions. Collection method: clinical testing. Allele origin: germline. Observed: 4 variant alleles, 4 heterozygotes.

Illumina Laboratory Services, Illumina
Classification: Uncertain significance for Dilated cardiomyopathy 1G. Last evaluated: 2018-01-13. Review status: criteria provided, single submitter. Criteria: ICSL Variant Classification Criteria 13 December 2019. Collection method: clinical testing. Allele origin: germline.

Illumina Laboratory Services, Illumina
Classification: Benign for Tibial muscular dystrophy. Last evaluated: 2018-01-13. Review status: criteria provided, single submitter. Criteria: ICSL Variant Classification Criteria 13 December 2019. Collection method: clinical testing. Allele origin: germline.
Comment: This variant was observed in the ICSL laboratory as part of a predisposition screen in an ostensibly healthy population. It had not been previously curated by ICSL or reported in the Human Gene Mutation Database (HGMD: prior to June 1st, 2018), and was therefore a candidate for classification through an automated scoring system. Utilizing variant allele frequency, disease prevalence and penetrance estimates, and inheritance mode, an automated score was calculated to assess if this variant is too frequent to cause the disease. Based on the score and internal cut-off values, a variant classified as benign is not then subjected to further curation. The score for this variant resulted in a classification of benign for this disease.

Illumina Laboratory Services, Illumina
Classification: Benign for Myopathy, myofibrillar, 9, with early respiratory failure. Last evaluated: 2018-01-13. Review status: criteria provided, single submitter. Criteria: ICSL Variant Classification Criteria 13 December 2019. Collection method: clinical testing. Allele origin: germline.
Comment: the same text as in the submission from Illumina Laboratory Services, Illumina above.

Illumina Laboratory Services, Illumina
Classification: Uncertain significance for Early-onset myopathy with fatal cardiomyopathy. Last evaluated: 2018-01-13. Review status: criteria provided, single submitter. Criteria: ICSL Variant Classification Criteria 13 December 2019. Collection method: clinical testing. Allele origin: germline.

Illumina Laboratory Services, Illumina
Classification: Uncertain significance for Autosomal recessive limb-girdle muscular dystrophy type 2J. Last evaluated: 2018-01-13. Review status: criteria provided, single submitter. Criteria: ICSL Variant Classification Criteria 13 December 2019. Collection method: clinical testing. Allele origin: germline.

Laboratory for Molecular Medicine, Mass General Brigham Personalized Medicine
Classification: Likely benign. Last evaluated: 2012-03-19. Review status: criteria provided, single submitter. Criteria: LMM Criteria. Collection method: clinical testing. Allele origin: germline. Observed: 1 variant allele.
Comment: Gly30284Gly in exon 301 of TTN: This variant is not expected to have clinical si gnificance because it does not alter an amino acid residue and is not located wi thin the splice consensus sequence. It has been identified in 3/8268 European Am erican chromosomes by the NHLBI Exome Sequencing Project (dbSNP rs373853269). Gly30284Gly in exon 301 of TTN (rs373853269; al lele frequency = 3/8268) **

NM_001267550.2(TTN):c.98556T>C (p.Gly32852=)

Genes: TTN-AS1 (TTN antisense RNA 1; plus strand), TTN (titin; minus strand). Cytogenetic location: 2q31.2.
Variant type: single nucleotide variant.
Coding change: c.98556T>C on transcript NM_001267550.2 (MANE Select); coding-DNA position 98556, T replaced by C.
Protein change: p.Gly32852=; no amino-acid change (glycine 32852 retained).
Molecular consequence: synonymous variant. On other transcripts: non-coding transcript variant (1).
Genome position (GRCh38, 1-based): chr2:178,539,509, A>G on the plus strand (T>C on the coding strand, the complement: TTN is on the minus strand). VCF-style: chr2-178539509-A-G. GRCh37 (hg19) VCF-style: chr2-179404236-A-G.
Other names: p.Gly30284=; c.90852T>C, p.Gly30284= (NM_133378.4); c.93633T>C, p.Gly31211= (NM_001256850.1); c.71361T>C, p.Gly23787= (NM_003319.4); c.71736T>C, p.Gly23912= (NM_133432.3); c.71937T>C, p.Gly23979= (NM_133437.4).
Identifiers: ClinVar variation 178163 (VCV000178163.40), dbSNP rs373853269, ClinGen allele CA181593.